The following is an entry in ClinVar:

NM_001350451.2(RBFOX3):c.632T>A (p.Phe211Tyr)

Gene: RBFOX3 (RNA binding fox-1 homolog 3; minus strand). Cytogenetic location: 17q25.3.
Variant type: single nucleotide variant.
Coding change: c.632T>A on transcript NM_001350451.2 (MANE Select); coding-DNA position 632, T replaced by A.
Protein change: p.Phe211Tyr; replaces phenylalanine 211 with tyrosine.
Molecular consequence: missense variant.
Genome position (GRCh38, 1-based): chr17:79,097,415, A>T on the plus strand (T>A on the coding strand, the complement: RBFOX3 is on the minus strand). VCF-style: chr17-79097415-A-T. GRCh37 (hg19) VCF-style: chr17-77093497-A-T.
Other names: c.629T>A, p.Phe210Tyr (NM_001385844.1, NM_001385845.1, NM_001385846.1 and 4 more transcripts); c.485T>A, p.Phe162Tyr (NM_001385847.1); c.632T>A, p.Phe211Tyr (NM_001385834.1, NM_001385835.1, NM_001385836.1 and 33 more transcripts); c.539T>A, p.Phe180Tyr (NM_001385824.1); c.653T>A, p.Phe218Tyr (NM_001385827.1); short protein forms F162Y, F180Y, F210Y, F211Y, F218Y.
Identifiers: ClinVar variation 3607418 (VCV003607418.2).

ClinVar aggregate classification (germline): Uncertain significance (1 of 4 stars; one submission).

Conditions:
Idiopathic generalized epilepsy. Also called: EIG; Generalised epilepsy. Identifiers: MedGen C0270850, MONDO:0005579, OMIM 600669.

gnomAD v4.1: 1 of 1,545,574 alleles (0.000065%); highest among the groups gnomAD compares: Non-Finnish European, 0.000087%; no homozygotes.

Submission:

Labcorp Genetics (formerly Invitae), Labcorp
Classification: Uncertain significance for Idiopathic generalized epilepsy. Last evaluated: 2024-07-12. Review status: criteria provided, single submitter. Criteria: Invitae Variant Classification Sherloc (09022015). Collection method: clinical testing. Allele origin: germline.
Comment: This sequence change replaces phenylalanine, which is neutral and non-polar, with tyrosine, which is neutral and polar, at codon 211 of the RBFOX3 protein (p.Phe211Tyr). This variant is not present in population databases (gnomAD no frequency). This variant has not been reported in the literature in individuals affected with RBFOX3-related conditions. Advanced modeling of protein sequence and biophysical properties (such as structural, functional, and spatial information, amino acid conservation, physicochemical variation, residue mobility, and thermodynamic stability) performed at Invitae indicates that this missense variant is not expected to disrupt RBFOX3 protein function with a negative predictive value of 80%. In summary, the available evidence is currently insufficient to determine the role of this variant in disease. Therefore, it has been classified as a Variant of Uncertain Significance.